The following is an entry in ClinVar:

ClinVar aggregate classification (germline): Uncertain significance (1 of 4 stars; one submission).

Allele frequency attached by ClinVar (database versions not stated): gnomAD 0.00004 and 0.00005; 1000 Genomes Project 0.00020; TOPMed 0.00005; 1000 Genomes Project 30x 0.00016.
gnomAD v4.1: 8 of 152,286 alleles (0.0053%); highest among the groups gnomAD compares: East Asian, 0.058%; no homozygotes.

Submission:

Women's Health and Genetics/Laboratory Corporation of America, LabCorp
Classification: Uncertain significance. Last evaluated: 2017-07-31. Review status: criteria provided, single submitter. Criteria: LabCorp Variant Classification Summary - May 2015. Collection method: clinical testing. Allele origin: germline.
Comment: Variant summary: The PCCA c.2118+988G>A variant involves the alteration of a non-conserved intronic nucleotide. One in silico tool predicts a benign outcome for this variant. 5/5 splice prediction tools predict no significant impact on normal splicing. However, these predictions have yet to be confirmed by functional studies. This variant was found in 3/30966 control chromosomes in gnomAD whole genome sequencing data at a frequency of 0.0000969, which does not exceed the estimated maximal expected allele frequency of a pathogenic PCCA variant (0.003446). The variant of interest has not, to our knowledge, been reported in affected individuals via publications and/or reputable databases/clinical diagnostic laboratories; nor evaluated for functional impact by in vivo/vitro studies. Taken together, this variant is classified as VUS-possibly benign.

NM_000282.4(PCCA):c.2118+988G>A

Gene: PCCA (propionyl-CoA carboxylase subunit alpha; plus strand). Cytogenetic location: 13q32.3.
Variant type: single nucleotide variant.
Coding change: c.2118+988G>A on transcript NM_000282.4 (MANE Select); 988 bases into the intron after coding-DNA position 2118, G replaced by A.
Molecular consequence: intron variant.
Genome position (GRCh38, 1-based): chr13:100,528,740, G>A. VCF-style: chr13-100528740-G-A. GRCh37 (hg19) VCF-style: chr13-101180994-G-A.
Other names: c.1977+988G>A (NM_001178004.2); c.2064+988G>A (NM_001352605.2); c.1974+988G>A (NM_001352606.2); c.1173+988G>A (NM_001352610.2); c.1119+988G>A (NM_001352611.2); c.1029+988G>A (NM_001352612.2); c.2040+988G>A (NM_001127692.3); c.1899+988G>A (NM_001352607.2); and 1 more.
Identifiers: ClinVar variation 495790 (VCV000495790.1), dbSNP rs556040424, ClinGen allele CA255372406.